The following is an entry in ClinVar:

NM_014918.5(CHSY1):c.535G>T (p.Asp179Tyr)

Gene: CHSY1 (chondroitin sulfate synthase 1; minus strand). Cytogenetic location: 15q26.3.
Variant type: single nucleotide variant.
Coding change: c.535G>T on transcript NM_014918.5 (MANE Select); coding-DNA position 535, G replaced by T.
Protein change: p.Asp179Tyr; replaces aspartic acid 179 with tyrosine.
Molecular consequence: missense variant.
Genome position (GRCh38, 1-based): chr15:101,235,363, C>A on the plus strand (G>T on the coding strand, the complement: CHSY1 is on the minus strand). VCF-style: chr15-101235363-C-A. GRCh37 (hg19) VCF-style: chr15-101775568-C-A.
Other names: short protein forms D179Y.
Identifiers: ClinVar variation 646602 (VCV000646602.10), dbSNP rs138311444, ClinGen allele CA7762708.

ClinVar aggregate classification (germline): Uncertain significance (1 of 4 stars; one submission).

Conditions:
Temtamy preaxial brachydactyly syndrome (TPBS). Identifiers: Orphanet 363417, MedGen C1854466, MONDO:0011533, OMIM 605282.

Allele frequency attached by ClinVar (database versions not stated): gnomAD exomes below 0.00001 and 0.00005; ExAC 0.00001; gnomAD 0.00001; TOPMed 0.00001; ESP Exome Variant Server 0.00008.

Submission:

Labcorp Genetics (formerly Invitae), Labcorp
Classification: Uncertain significance for Temtamy preaxial brachydactyly syndrome. Last evaluated: 2022-02-24. Review status: criteria provided, single submitter. Criteria: Invitae Variant Classification Sherloc (09022015). Collection method: clinical testing. Allele origin: germline.
Comment: This sequence change replaces aspartic acid, which is acidic and polar, with tyrosine, which is neutral and polar, at codon 179 of the CHSY1 protein (p.Asp179Tyr). In summary, the available evidence is currently insufficient to determine the role of this variant in disease. Therefore, it has been classified as a Variant of Uncertain Significance. Algorithms developed to predict the effect of missense changes on protein structure and function (SIFT, PolyPhen-2, Align-GVGD) all suggest that this variant is likely to be disruptive. ClinVar contains an entry for this variant (Variation ID: 646602). This variant has not been reported in the literature in individuals affected with CHSY1-related conditions. This variant is present in population databases (rs138311444, gnomAD 0.0009%).